The following is an entry in ClinVar:

ClinVar aggregate classification (germline): Uncertain significance. Review status: criteria provided, multiple submitters, no conflicts (2 of 4 stars). 2 submissions from 2 submitters: Uncertain significance (2). Last evaluated 2023-05-22.

Conditions:
Brugada syndrome. Also called: Sudden unexplained nocturnal death syndrome; Sudden Unexplained Death Syndrome; Sudden Unexplained Nocturnal Death Syndrome (SUNDS); Sudden unexpected nocturnal death syndrome. Identifiers: Orphanet 130, MedGen C1142166, MONDO:0015263.
Cardiovascular phenotype. Identifiers: MedGen CN230736.

Allele frequency attached by ClinVar (database versions not stated): TOPMed 0.00001.
gnomAD v4.1: 6 of 1,613,658 alleles (0.00037%); highest among the groups gnomAD compares: Admixed American, 0.01%; no homozygotes.

Submissions (2):

Labcorp Genetics (formerly Invitae), Labcorp
Classification: Uncertain significance for Brugada syndrome. Last evaluated: 2023-05-22. Review status: criteria provided, single submitter. Criteria: Invitae Variant Classification Sherloc (09022015). Collection method: clinical testing. Allele origin: germline.
Comment: In summary, the available evidence is currently insufficient to determine the role of this variant in disease. Therefore, it has been classified as a Variant of Uncertain Significance. Advanced modeling of protein sequence and biophysical properties (such as structural, functional, and spatial information, amino acid conservation, physicochemical variation, residue mobility, and thermodynamic stability) performed at Invitae indicates that this missense variant is not expected to disrupt KCNJ8 protein function. ClinVar contains an entry for this variant (Variation ID: 1382651). This variant has not been reported in the literature in individuals affected with KCNJ8-related conditions. This variant is present in population databases (rs770087869, gnomAD 0.01%). This sequence change replaces threonine, which is neutral and polar, with serine, which is neutral and polar, at codon 118 of the KCNJ8 protein (p.Thr118Ser).

Ambry Genetics
Classification: Uncertain significance for Cardiovascular phenotype. Last evaluated: 2023-02-23. Review status: criteria provided, single submitter. Criteria: Ambry Variant Classification Scheme 2023. Collection method: clinical testing. Allele origin: germline.
Comment: The p.T118S variant (also known as c.353C>G), located in coding exon 1 of the KCNJ8 gene, results from a C to G substitution at nucleotide position 353. The threonine at codon 118 is replaced by serine, an amino acid with similar properties. This amino acid position is conserved. In addition, this alteration is predicted to be tolerated by in silico analysis. Since supporting evidence is limited at this time, the clinical significance of this alteration remains unclear.

NM_004982.4(KCNJ8):c.353C>G (p.Thr118Ser)

Genes: KCNJ8 (potassium inwardly rectifying channel subfamily J member 8; minus strand), KCNJ8-AS1 (KCNJ8 antisense RNA 1; plus strand). Cytogenetic location: 12p12.1.
Variant type: single nucleotide variant.
Coding change: c.353C>G on transcript NM_004982.4 (MANE Select); coding-DNA position 353, C replaced by G.
Protein change: p.Thr118Ser; replaces threonine 118 with serine.
Molecular consequence: missense variant.
Genome position (GRCh38, 1-based): chr12:21,773,264, G>C on the plus strand (C>G on the coding strand, the complement: KCNJ8 is on the minus strand). VCF-style: chr12-21773264-G-C. GRCh37 (hg19) VCF-style: chr12-21926198-G-C.
Other names: c.353C>G (NM_004982.2); short protein forms T118S.
Identifiers: ClinVar variation 1382651 (VCV001382651.7), dbSNP rs770087869, ClinGen allele CA6480701.
Genomic context (GRCh38, chr12:21,773,264, plus strand): 5'-ACTGTTTTCAACCCCTGCCTCATCCCACTACATTCTTACCTGACATTAGTCACACACACA[G>C]TGGACTCCAAACCACTTTTCTCCATTCCACTTTTCTCCATGTAAGCATAGATGTCCCCAT-3'
Protein context (NP_004973.1, residues 108-128): SGMEKSGLES[Thr118Ser]VCVTNVRSFT